The following is an entry in ClinVar:

NM_005159.5(ACTC1):c.994A>G (p.Ile332Val)

Genes: ACTC1 (actin alpha cardiac muscle 1; minus strand), GJD2-DT (GJD2 divergent transcript; plus strand). Cytogenetic location: 15q14.
Variant type: single nucleotide variant.
Coding change: c.994A>G on transcript NM_005159.5 (MANE Select); coding-DNA position 994, A replaced by G.
Protein change: p.Ile332Val; replaces isoleucine 332 with valine.
Molecular consequence: missense variant.
Genome position (GRCh38, 1-based): chr15:34,790,552, T>C on the plus strand (A>G on the coding strand, the complement: ACTC1 is on the minus strand). VCF-style: chr15-34790552-T-C. GRCh37 (hg19) VCF-style: chr15-35082753-T-C.
Other names: short protein forms I332V.
Identifiers: ClinVar variation 1172066 (VCV001172066.6), dbSNP rs749354463, ClinGen allele CA043281.

ClinVar aggregate classification (germline): Uncertain significance. Review status: criteria provided, multiple submitters, no conflicts (2 of 4 stars). 2 submissions from 2 submitters: Uncertain significance (2). Last evaluated 2024-05-30.

Conditions:
Cardiomyopathy (CMYO). Also called: Cardiomyopathies. Identifiers: Orphanet 167848, MedGen C0878544, MONDO:0004994, HP:0001638. Inheritance: Various modes of inheritance.
Hypertrophic cardiomyopathy. Also called: HYPERTROPHIC MYOCARDIOPATHY. Identifiers: Orphanet 217569, MedGen C0007194, MeSH D002312, MONDO:0005045, HP:0001639.

Allele frequency attached by ClinVar (database versions not stated): gnomAD exomes below 0.00001 and 0.00001; TOPMed below 0.00001; ExAC 0.00002.
gnomAD v4.1: 4 of 1,614,008 alleles (0.00025%); highest among the groups gnomAD compares: Admixed American, 0.0017%; no homozygotes.

Submissions (2):

All of Us Research Program, National Institutes of Health
Classification: Uncertain significance for Hypertrophic cardiomyopathy. Last evaluated: 2024-05-30. Review status: criteria provided, single submitter. Criteria: ACMG Guidelines, 2015. Collection method: clinical testing. Allele origin: germline. Inheritance: Autosomal dominant inheritance. Observed: 2 variant alleles, 2 heterozygotes.
Comment: This missense variant replaces isoleucine with valine at codon 332 of the ACTC1 protein. Computational prediction suggests that this variant may not impact protein structure and function (internally defined REVEL score threshold <= 0.5, PMID: 27666373). To our knowledge, functional studies have not been reported for this variant. This variant has not been reported in individuals affected with cardiovascular disorders in the literature. This variant has been identified in 3/251286 chromosomes in the general population by the Genome Aggregation Database (gnomAD). The available evidence is insufficient to determine the role of this variant in disease conclusively. Therefore, this variant is classified as a Variant of Uncertain Significance.

This study involves interpretation of variants in research participants for the purpose of population health screening. Participant phenotype was not available at the time of variant classification. Additional details can be found in publication PMID: 35346344, PMCID: PMC8962531

Color Diagnostics, LLC DBA Color Health
Classification: Uncertain significance for Cardiomyopathy. Last evaluated: 2024-03-06. Review status: criteria provided, single submitter. Criteria: ACMG Guidelines, 2015. Collection method: clinical testing. Allele origin: germline.
Comment: This missense variant replaces isoleucine with valine at codon 332 of the ACTC1 protein. Computational prediction suggests that this variant may not impact protein structure and function (internally defined REVEL score threshold <= 0.5, PMID: 27666373). To our knowledge, functional studies have not been reported for this variant. This variant has not been reported in individuals affected with ACTC1-related disorders in the literature. This variant has been identified in 3/251286 chromosomes in the general population by the Genome Aggregation Database (gnomAD). The available evidence is insufficient to determine the role of this variant in disease conclusively. Therefore, this variant is classified as a Variant of Uncertain Significance.